The following is an entry in ClinVar:

ClinVar aggregate classification (germline): Uncertain significance (1 of 4 stars; one submission).

Submission:

Labcorp Genetics (formerly Invitae), Labcorp
Classification: Uncertain significance. Last evaluated: 2025-10-04. Review status: criteria provided, single submitter. Criteria: Invitae Variant Classification Sherloc (09022015). Collection method: clinical testing. Allele origin: germline.
Comment: This sequence change replaces valine, which is neutral and non-polar, with glycine, which is neutral and non-polar, at codon 560 of the CARMIL2 protein (p.Val560Gly). This variant is present in population databases (no rsID available, gnomAD 0.003%). This variant has not been reported in the literature in individuals affected with CARMIL2-related conditions. Invitae Evidence Modeling of protein sequence and biophysical properties (such as structural, functional, and spatial information, amino acid conservation, physicochemical variation, residue mobility, and thermodynamic stability) indicates that this missense variant is not expected to disrupt CARMIL2 protein function with a negative predictive value of 80%. In summary, the available evidence is currently insufficient to determine the role of this variant in disease. Therefore, it has been classified as a Variant of Uncertain Significance.

NM_001013838.3(CARMIL2):c.1679T>G (p.Val560Gly)

Gene: CARMIL2 (capping protein regulator and myosin 1 linker 2; plus strand). Cytogenetic location: 16q22.1.
Variant type: single nucleotide variant.
Coding change: c.1679T>G on transcript NM_001013838.3 (MANE Select); coding-DNA position 1679, T replaced by G.
Protein change: p.Val560Gly; replaces valine 560 with glycine.
Molecular consequence: missense variant.
Genome position (GRCh38, 1-based): chr16:67,649,163, T>G. VCF-style: chr16-67649163-T-G. GRCh37 (hg19) VCF-style: chr16-67683066-T-G.
Other names: c.1571T>G, p.Val524Gly (NM_001317026.3, NM_001438244.1, NM_001438835.1); short protein forms V524G, V560G.
Identifiers: ClinVar variation 4746134 (VCV004746134.1).